The following is an entry in ClinVar:

NM_021224.6(ZNF462):c.2015T>C (p.Val672Ala)

Gene: ZNF462 (zinc finger protein 462; plus strand). Cytogenetic location: 9q31.2.
Variant type: single nucleotide variant.
Coding change: c.2015T>C on transcript NM_021224.6 (MANE Select); coding-DNA position 2015, T replaced by C.
Protein change: p.Val672Ala; replaces valine 672 with alanine.
Molecular consequence: missense variant.
Genome position (GRCh38, 1-based): chr9:106,925,927, T>C. VCF-style: chr9-106925927-T-C. GRCh37 (hg19) VCF-style: chr9-109688208-T-C.
Other names: c.2015T>C, p.Val672Ala (NM_001347997.2); short protein forms V672A.
Identifiers: ClinVar variation 451999 (VCV000451999.2), dbSNP rs1554703912, ClinGen allele CA374387102.

ClinVar aggregate classification (germline): Uncertain significance (1 of 4 stars; one submission).

Allele frequency attached by ClinVar (database versions not stated): gnomAD exomes below 0.00001.
gnomAD v4.1: 1 of 1,614,196 alleles (0.000062%); highest among the groups gnomAD compares: Non-Finnish European, 0.000085%; no homozygotes.

Submission:

GeneDx
Classification: Uncertain significance. Last evaluated: 2017-09-15. Review status: criteria provided, single submitter. Criteria: GeneDx Variant Classification (06012015). Collection method: clinical testing. Allele origin: germline. Affected: yes.
Comment: The V672A variant in the ZNF462 gene has not been reported previously as a pathogenic variant, nor as a benign variant, to our knowledge. The V672A variant is not observed in large population cohorts (Lek et al., 2016). The V672A variant is a conservative amino acid substitution, which is not likely to impact secondary protein structure as these residues share similar properties. This substitution occurs at a position where amino acids with similar properties to Valine are tolerated across species. In silico analysis is inconsistent in its predictions as to whether or not the variant is damaging to the protein structure/function. We interpret V672A as a variant of uncertain significance.